The following is an entry in ClinVar:

NM_052874.5(STX1B):c.141G>A (p.Ser47=)

Gene: STX1B (syntaxin 1B; minus strand). Cytogenetic location: 16p11.2.
Variant type: single nucleotide variant.
Coding change: c.141G>A on transcript NM_052874.5 (MANE Select); coding-DNA position 141, G replaced by A.
Protein change: p.Ser47=; no amino-acid change (serine 47 retained).
Molecular consequence: synonymous variant.
Genome position (GRCh38, 1-based): chr16:31,001,158, C>T on the plus strand (G>A on the coding strand, the complement: STX1B is on the minus strand). VCF-style: chr16-31001158-C-T. GRCh37 (hg19) VCF-style: chr16-31012479-C-T.
Identifiers: ClinVar variation 2178118 (VCV002178118.28), dbSNP rs776604327, ClinGen allele CA8018470.
Genomic context (GRCh38, chr16:31,001,158, plus strand): 5'-ATCTGGGTTGGGTGCGGCCAGGATGGCGCTATGCTGTTTTTTCACCTGCTCCACATCCTC[C>T]GACAGTTTCTCAATGCAGCCCCGGATCTCTTCCACCTGGAGCAGAAAATCGGCTATACCC-3'
Protein context (NP_443106.1, residues 37-57): EEIRGCIEKL[Ser47=]EDVEQVKKQH

ClinVar aggregate classification (germline): Likely benign. Review status: criteria provided, multiple submitters, no conflicts (2 of 4 stars). 2 submissions from 2 submitters: Likely benign (2). Last evaluated 2022-06-01.

Conditions:
Generalized epilepsy with febrile seizures plus, type 9 (GEFSP9). Also called: GEFS+, TYPE 9. Identifiers: Orphanet 36387, MedGen C4015395, MONDO:0014517, OMIM 616172.

Allele frequency attached by ClinVar (database versions not stated): gnomAD 0.00001; ExAC 0.00002.
gnomAD v4.1: 12 of 1,613,912 alleles (0.00074%); highest among the groups gnomAD compares: East Asian, 0.0067%; no homozygotes.

Submissions (2):

CeGaT Center for Human Genetics Tuebingen
Classification: Likely benign. Last evaluated: 2022-06-01. Review status: criteria provided, single submitter. Criteria: CeGaT Center For Human Genetics Tuebingen Variant Classification Criteria Version 2. Collection method: clinical testing. Allele origin: germline. Affected: yes. Observed: 1 variant allele.
Comment: STX1B: BP4, BP7

Labcorp Genetics (formerly Invitae), Labcorp
Classification: Likely benign for Generalized epilepsy with febrile seizures plus, type 9. Last evaluated: 2022-04-18. Review status: criteria provided, single submitter. Criteria: Invitae Variant Classification Sherloc (09022015). Collection method: clinical testing. Allele origin: germline.